The following is an entry in ClinVar:

ClinVar aggregate classification (germline): Conflicting classifications of pathogenicity. Review status: criteria provided, conflicting classifications (1 of 4 stars). 2 submissions from 2 submitters: Uncertain significance (1); Likely benign (1). Last evaluated 2023-03-23.

Conditions:
Familial cancer of breast. Also called: BREAST CANCER, FAMILIAL; Hereditary breast cancer; hereditary breast carcinoma. Identifiers: Orphanet 227535, MedGen C0346153, MONDO:0016419, OMIM 114480. Disease mechanism: loss of function.
Hereditary cancer-predisposing syndrome. Also called: Tumor predisposition; Hereditary neoplastic syndrome; Neoplastic Syndromes, Hereditary; Hereditary Cancer Syndrome. Identifiers: Orphanet 140162, MedGen C0027672, MeSH D009386, MONDO:0015356.

Allele frequency attached by ClinVar (database versions not stated): TOPMed below 0.00001.

Submissions (2):

University of Washington Department of Laboratory Medicine, University of Washington
Classification: Likely benign for Hereditary cancer-predisposing syndrome. Last evaluated: 2023-03-23. Review status: criteria provided, single submitter. Criteria: Dines et al. (Genet Med. 2020). Collection method: curation. Allele origin: germline.
Comment: Missense variant in a coldspot region where missense variants are very unlikely to be pathogenic (PMID:31911673).

BRCA2 exon 11 coldspot. Reclassification based on statistical prior probability.

Genetics and Molecular Pathology, SA Pathology
Classification: Uncertain significance for Familial cancer of breast. Last evaluated: 2020-08-11. Review status: criteria provided, single submitter. Criteria: ACMG Guidelines, 2015. Collection method: clinical testing. Allele origin: germline. Affected: yes.

NM_000059.4(BRCA2):c.2563A>G (p.Thr855Ala)

Gene: BRCA2 (BRCA2 DNA repair associated; plus strand). Cytogenetic location: 13q13.1.
Variant type: single nucleotide variant.
Coding change: c.2563A>G on transcript NM_000059.4 (MANE Select); coding-DNA position 2563, A replaced by G.
Protein change: p.Thr855Ala; replaces threonine 855 with alanine.
Molecular consequence: missense variant.
Genome position (GRCh38, 1-based): chr13:32,336,918, A>G. VCF-style: chr13-32336918-A-G. GRCh37 (hg19) VCF-style: chr13-32911055-A-G.
Other names: short protein forms T855A.
Identifiers: ClinVar variation 1698928 (VCV001698928.5), dbSNP rs1174270999, ClinGen allele CA387772552.